The following is an entry in ClinVar:

ClinVar aggregate classification (germline): Conflicting classifications of pathogenicity. Review status: criteria provided, conflicting classifications (1 of 4 stars). 2 submissions from 2 submitters: Uncertain significance (1); Benign (1). Last evaluated 2025-09-25.

Conditions:
Hereditary cancer-predisposing syndrome. Also called: Tumor predisposition; Hereditary Cancer Syndrome; Neoplastic Syndromes, Hereditary; Hereditary neoplastic syndrome. Identifiers: Orphanet 140162, MedGen C0027672, MeSH D009386, MONDO:0015356.
Fanconi anemia complementation group O. Also called: RAD51C-Related Fanconi Anemia. Identifiers: Orphanet 84, MedGen C3150653, MONDO:0013248, OMIM 613390.

Allele frequency attached by ClinVar (database versions not stated): gnomAD exomes below 0.00001.
gnomAD v4.1: 1 of 1,614,180 alleles (0.000062%); highest among the groups gnomAD compares: East Asian, 0.0022%; no homozygotes.

Submissions (2):

Ambry Genetics
Classification: Benign for Hereditary cancer-predisposing syndrome. Last evaluated: 2025-09-25. Review status: criteria provided, single submitter. Criteria: Ambry Variant Classification Scheme 2023. Collection method: clinical testing. Allele origin: germline.

Labcorp Genetics (formerly Invitae), Labcorp
Classification: Uncertain significance for Fanconi anemia complementation group O. Last evaluated: 2021-08-14. Review status: criteria provided, single submitter. Criteria: Invitae Variant Classification Sherloc (09022015). Collection method: clinical testing. Allele origin: germline.
Comment: This sequence change replaces valine with alanine at codon 25 of the RAD51C protein (p.Val25Ala). The valine residue is moderately conserved and there is a small physicochemical difference between valine and alanine. In summary, the available evidence is currently insufficient to determine the role of this variant in disease. Therefore, it has been classified as a Variant of Uncertain Significance. Algorithms developed to predict the effect of missense changes on protein structure and function output the following: SIFT: "Tolerated"; PolyPhen-2: "Benign"; Align-GVGD: "Class C0". The alanine amino acid residue is found in multiple mammalian species, suggesting that this missense change does not adversely affect protein function. These predictions have not been confirmed by published functional studies and their clinical significance is uncertain. This variant has not been reported in the literature in individuals with RAD51C-related conditions. This variant is not present in population databases (ExAC no frequency).

NM_058216.3(RAD51C):c.74T>C (p.Val25Ala)

Gene: RAD51C (RAD51 paralog C; plus strand). Cytogenetic location: 17q22.
Variant type: single nucleotide variant.
Coding change: c.74T>C on transcript NM_058216.3 (MANE Select); coding-DNA position 74, T replaced by C.
Protein change: p.Val25Ala; replaces valine 25 with alanine.
Molecular consequence: missense variant. On other transcripts: non-coding transcript variant (1).
Genome position (GRCh38, 1-based): chr17:58,692,717, T>C. VCF-style: chr17-58692717-T-C. GRCh37 (hg19) VCF-style: chr17-56770078-T-C.
Other names: c.74T>C, p.Val25Ala (NM_002876.4); short protein forms V25A.
Identifiers: ClinVar variation 1014998 (VCV001014998.12), dbSNP rs2047809263, ClinGen allele CA400336994.